The following is an entry in ClinVar:

ClinVar aggregate classification (germline): Conflicting classifications of pathogenicity. Review status: criteria provided, conflicting classifications (1 of 4 stars). 7 submissions from 7 submitters: Uncertain significance (1); Likely benign (5). 1 of the submissions does not count toward it. Last evaluated 2025-09-30.

Conditions:
PKD1-related disorder. Also called: PKD1-related condition.
Breast-ovarian cancer, familial, susceptibility to, 5 (BROVCA5). Identifiers: MedGen C5830615, MONDO:0957530, OMIM 620442.
Polycystic kidney disease, adult type (PKD1). Also called: Polycystic kidney disease 1, severe; Polycystic Kidney, Autosomal Dominant; POLYCYSTIC KIDNEY DISEASE, ADULT, TYPE I; Polycystic Kidney Disease 1, Autosomal Dominant; Polycystic kidney disease 1; POLYCYSTIC KIDNEY DISEASE 1 WITH OR WITHOUT POLYCYSTIC LIVER DISEASE. Identifiers: MedGen C3149841, MONDO:0008263, OMIM 173900.

Allele frequency attached by ClinVar (database versions not stated): ExAC 0.00048; gnomAD exomes 0.00050; ESP Exome Variant Server 0.00063; gnomAD 0.00150 and 0.00156; TOPMed 0.00175; 1000 Genomes Project 30x 0.00187; 1000 Genomes Project 0.00200.

Submissions (7):

Women's Health and Genetics/Laboratory Corporation of America, LabCorp
Classification: Uncertain significance. Last evaluated: 2025-09-30. Review status: criteria provided, single submitter. Criteria: LabCorp Variant Classification Summary - May 2015. Collection method: clinical testing. Allele origin: germline.
Comment: Variant summary: PKD1 c.5852G>A (p.Arg1951Gln) results in a conservative amino acid change in the encoded protein sequence. Algorithms developed to predict the effect of missense changes on protein structure and function all suggest that this variant is likely to be tolerated. The variant allele was found at a frequency of 0.0005 in 228510 control chromosomes (gnomAD). This frequency is not significantly higher than estimated for disease-causing variants in PKD1, allowing no conclusion about variant significance. c.5852G>A has been observed in individuals affected with Polycystic Kidney Disease without strong evidence of causality (e.g., Kim_2019, Izzi_2022, Yu_2022). These reports do not provide unequivocal conclusions about association of the variant with PKD1-Biallelic Autosomal Recessive Polycystic Kidney Disease or Polycystic Kidney Disease 1. To our knowledge, no experimental evidence demonstrating an impact on protein function has been reported. The following publications have been ascertained in the context of this evaluation (PMID: 31740684, 35497784, 35778421). ClinVar contains an entry for this variant (Variation ID: 391805). Based on the evidence outlined above, the variant was classified as uncertain significance.

Johns Hopkins Genomics, Johns Hopkins University
Classification: Likely benign for Breast-ovarian cancer, familial, susceptibility to, 5. Last evaluated: 2025-05-15. Review status: criteria provided, single submitter. Criteria: ACMG Guidelines, 2015. Collection method: clinical testing. Allele origin: germline.
Comment: This variant is classified as likely benign (PM2, PP1, BS2, BP4).

Blueprint Genetics
Classification: Likely benign. Last evaluated: 2024-09-20. Review status: criteria provided, single submitter. Criteria: ACMG Guidelines, 2015. Collection method: clinical testing. Allele origin: germline.

GeneDx
Classification: Likely benign. Last evaluated: 2021-05-05. Review status: criteria provided, single submitter. Criteria: GeneDx Variant Classification Process June 2021. Collection method: clinical testing. Allele origin: germline. Affected: yes.
Comment: This variant is associated with the following publications: (PMID: 31740684)

Department of Pathology and Laboratory Medicine, Sinai Health System
Classification: Likely benign for Polycystic kidney disease, adult type. Last evaluated: 2020-07-31. Review status: criteria provided, single submitter. Criteria: ACMG Guidelines, 2015. Collection method: clinical testing. Allele origin: germline. Affected: yes.

Breakthrough Genomics
Classification: Likely benign. Review status: criteria provided, single submitter. Criteria: ACMG Guidelines, 2015. Collection method: not provided. Allele origin: germline. Inheritance: Autosomal dominant inheritance. Affected: yes.

PreventionGenetics, part of Exact Sciences
Classification: Likely benign for PKD1-related condition. Last evaluated: 2019-06-14. Review status: no assertion criteria provided. Collection method: clinical testing. Allele origin: germline. Not counted in ClinVar's aggregate classification.
Comment: This variant is classified as likely benign based on ACMG/AMP sequence variant interpretation guidelines (Richards et al. 2015 PMID: 25741868, with internal and published modifications).

Literature cited by the submitters: PubMed 35778421 (cited by Women's Health and Genetics/Laboratory Corporation of America, LabCorp); PubMed 31740684 (cited by Women's Health and Genetics/Laboratory Corporation of America, LabCorp); PubMed 35497784 (cited by Women's Health and Genetics/Laboratory Corporation of America, LabCorp and Johns Hopkins Genomics, Johns Hopkins University).

NM_001009944.3(PKD1):c.5852G>A (p.Arg1951Gln)

Gene: PKD1 (polycystin 1, transient receptor potential channel interacting; minus strand). Cytogenetic location: 16p13.3.
Variant type: single nucleotide variant.
Coding change: c.5852G>A on transcript NM_001009944.3 (MANE Select); coding-DNA position 5852, G replaced by A.
Protein change: p.Arg1951Gln; replaces arginine 1951 with glutamine.
Molecular consequence: missense variant.
Genome position (GRCh38, 1-based): chr16:2,109,315, C>T on the plus strand (G>A on the coding strand, the complement: PKD1 is on the minus strand). VCF-style: chr16-2109315-C-T. GRCh37 (hg19) VCF-style: chr16-2159316-C-T.
Other names: c.5852G>A, p.Arg1951Gln (NM_000296.4); short protein forms R1951Q.
Identifiers: ClinVar variation 391805 (VCV000391805.10), dbSNP rs137905643, ClinGen allele CA7831827.